The following is an entry in ClinVar:

NM_024741.3(ZNF408):c.2008G>A (p.Ala670Thr)

Gene: ZNF408 (zinc finger protein 408; plus strand). Cytogenetic location: 11p11.2.
Variant type: single nucleotide variant.
Coding change: c.2008G>A on transcript NM_024741.3 (MANE Select); coding-DNA position 2008, G replaced by A.
Protein change: p.Ala670Thr; replaces alanine 670 with threonine.
Molecular consequence: missense variant.
Genome position (GRCh38, 1-based): chr11:46,705,708, G>A. VCF-style: chr11-46705708-G-A. GRCh37 (hg19) VCF-style: chr11-46727258-G-A.
Other names: c.1984G>A, p.Ala662Thr (NM_001184751.2); short protein forms A662T, A670T.
Identifiers: ClinVar variation 948564 (VCV000948564.8), dbSNP rs370145518, ClinGen allele CA5966695.

ClinVar aggregate classification (germline): Uncertain significance. Review status: criteria provided, multiple submitters, no conflicts (2 of 4 stars). 2 submissions from 2 submitters: Uncertain significance (2). Last evaluated 2024-12-02.

Conditions:
Inborn genetic diseases. Identifiers: MedGen C0950123, MeSH D030342.

Allele frequency attached by ClinVar (database versions not stated): gnomAD 0.00001; TOPMed 0.00006; ESP Exome Variant Server 0.00008; ExAC 0.00015.

Submissions (2):

Labcorp Genetics (formerly Invitae), Labcorp
Classification: Uncertain significance. Last evaluated: 2024-12-02. Review status: criteria provided, single submitter. Criteria: Invitae Variant Classification Sherloc (09022015). Collection method: clinical testing. Allele origin: germline.
Comment: This sequence change replaces alanine, which is neutral and non-polar, with threonine, which is neutral and polar, at codon 670 of the ZNF408 protein (p.Ala670Thr). This variant is present in population databases (rs370145518, gnomAD 0.05%). This variant has not been reported in the literature in individuals affected with ZNF408-related conditions. ClinVar contains an entry for this variant (Variation ID: 948564). An algorithm developed to predict the effect of missense changes on protein structure and function outputs the following: PolyPhen-2: "Benign". The threonine amino acid residue is found in multiple mammalian species, which suggests that this missense change does not adversely affect protein function. In summary, the available evidence is currently insufficient to determine the role of this variant in disease. Therefore, it has been classified as a Variant of Uncertain Significance.

Ambry Genetics
Classification: Uncertain significance for Inborn genetic diseases. Last evaluated: 2022-01-19. Review status: criteria provided, single submitter. Criteria: Ambry Variant Classification Scheme 2023. Collection method: clinical testing. Allele origin: germline.